The following continues an entry in ClinVar:

NM_000352.6(ABCC8):c.3989-9G>A

Gene: ABCC8. ClinVar aggregate classification (germline): Pathogenic. Pathogenic (18).

Submissions 10 to 22 of 22:

Broad Center for Mendelian Genomics, Broad Institute of MIT and Harvard
Classification: Pathogenic for Hyperinsulinemic hypoglycemia, familial, 1. Last evaluated: 2023-08-16. Review status: criteria provided, single submitter. Criteria: ACMG Guidelines, 2015. Collection method: curation. Allele origin: germline. Inheritance: Autosomal recessive inheritance.
Comment: The c.3989-9G>A variant in ABCC8 has been reported in >10 individuals with hyperinsulinemic hypoglycemia (PMID: 25306193, 25972930, 16429405, 16860127, 27175728, 17378627, 11272143, 27754802), and has been identified In 0.6% (62/10366) or Ashkenazi Jewish chromosomes by the Genome Aggregation Database (gnomAD; dbSNP rs151344623). Although this variant has been seen in the general population in a heterozygous state, its frequency is not high enough to rule out a pathogenic role. This variant has also been reported in ClinVar (Variation ID: 9088) and has been interpreted as pathogenic by multiple sources. Of the many affected individuals, at least 3 were compound heterozygotes that carried a reported pathogenic variant in trans, and 4 of those were homozygotes, which increases the likelihood that the c.3989-9G>A variant is pathogenic (Variation ID: 188864, 9096; PMID: 16429405, 16860127, 17378627). RNAseq analysis performed on affected tissue shows a deletion of the first 20 nucleotides of exon 33 (PMID: 33410562). This variant is located in the 3’ splice region. Computational prediction tools and conservation analyses suggest that this variant may impact the protein, though this information is not predictive enough to determine pathogenicity. In summary, this variant meets criteria to be classified as pathogenic for autosomal recessive hyperinsulinemic hypoglycemia. ACMG/AMP Criteria applied: PM3_very_strong, PS3, PP3 (Richards 2015).

Department of Pathology and Laboratory Medicine, Sinai Health System
Classification: Pathogenic for Leucine-induced hypoglycemia; Hyperinsulinemic hypoglycemia, familial, 1. Last evaluated: 2023-07-24. Review status: criteria provided, single submitter. Criteria: ACMG Guidelines, 2015. Collection method: research. Allele origin: germline.

Ambry Genetics
Classification: Pathogenic for Inborn genetic diseases. Last evaluated: 2022-05-04. Review status: criteria provided, single submitter. Criteria: Ambry Variant Classification Scheme 2023. Collection method: clinical testing. Allele origin: germline.
Comment: The c.3989-9G>A intronic alteration results from a G to A substitution 9 nucleotides before coding exon 33 of the ABCC8 gene. Based on the available evidence, the ABCC8 c.3989-9G>A alteration is classified as pathogenic for familial hyperinsulinemic hypoglycemia, but is unlikely to be causative of autosomal dominant ABCC8-related diabetes mellitus. This alteration has been reported in the homozygous and compound heterozygous states and in the heterozygous state on the paternal allele in multiple individuals with congenital hyperinsulinemic hypoglycemia (Del Roio Liberatore, 2015; Glaser, 2011; Gutgold, 2017; Nestorowicz, 1996; Thomas, 1995). This is also a common founder mutation in the Ashkenazi Jewish population (Glaser, 2011; Nestorowicz, 1996). This nucleotide position is not well conserved in available vertebrate species. In silico splice site analysis predicts that this alteration will weaken the native splice acceptor site. Based on the available evidence, this alteration is classified as pathogenic.

GeneDx
Classification: Pathogenic. Last evaluated: 2022-01-25. Review status: criteria provided, single submitter. Criteria: GeneDx Variant Classification Process June 2021. Collection method: clinical testing. Allele origin: germline. Affected: yes.
Comment: Published functional studies suggest that c.3989-9G>A activates a preexisting cryptic 3splice site within exon 33, resulting in out-of-frame product (Saint-Martin et al., 2021); In silico analysis supports a deleterious effect on splicing; This variant is associated with the following publications: (PMID: 25972930, 7716548, 8923011, 20672374, 27754802, 21716120, 25306193, 31980526, 31589614, 33726816, 33410562)

New York Genome Center
Classification: Pathogenic for Type 2 diabetes mellitus; Hyperinsulinemic hypoglycemia, familial, 1; Diabetes mellitus, permanent neonatal 3. Last evaluated: 2022-01-07. Review status: criteria provided, single submitter. Criteria: NYGC Assertion Criteria 2020. Collection method: clinical testing. Allele origin: germline. Observed: 1 heterozygote.

Myriad Genetics, Inc.
Classification: Pathogenic for Hyperinsulinemic hypoglycemia, familial, 1. Last evaluated: 2019-12-26. Review status: criteria provided, single submitter. Criteria: Myriad Women's Health Autosomal Recessive and X-Linked Classification Criteria (2019). Collection method: clinical testing. Allele origin: unknown.
Comment: NM_000352.3(ABCC8):c.3989-9G>A is classified as pathogenic in the context of ABCC8-related familial hyperinsulinism. Sources cited for classification include the following: PMID 10447255, 7716548, 23345197, 11999683, 11272143, 24401662, 15579781, 21851374, 16860127 and 8923011. Classification of NM_000352.3(ABCC8):c.3989-9G>A is based on the following criteria: This is a well-established pathogenic variant in the literature that has been observed more frequently in patients with clinical diagnoses than in healthy populations. Please note: this variant was assessed in the context of healthy population screening.

Athena Diagnostics
Classification: Pathogenic. Last evaluated: 2017-04-11. Review status: criteria provided, single submitter. Criteria: Athena Diagnostics Criteria. Collection method: clinical testing. Allele origin: germline.

Eurofins Ntd Llc (ga)
Classification: Pathogenic. Last evaluated: 2014-06-13. Review status: criteria provided, single submitter. Criteria: EGL Classification Definitions 2015. Collection method: clinical testing. Allele origin: germline. Observed: 2 variant alleles, 2 heterozygotes.

Genetic Services Laboratory, University of Chicago
Classification: Pathogenic. Last evaluated: 2013-07-23. Review status: criteria provided, single submitter. Criteria: ACMG Guidelines, 2007. Collection method: clinical testing. Allele origin: germline. Inheritance: Autosomal unknown. Affected: yes.

PreventionGenetics, part of Exact Sciences
Classification: Pathogenic for ABCC8-related condition. Last evaluated: 2024-05-03. Review status: no assertion criteria provided. Collection method: clinical testing. Allele origin: germline. Not counted in ClinVar's aggregate classification.
Comment: The ABCC8 c.3989-9G>A variant is predicted to interfere with splicing. This variant has been previously reported to be pathogenic for persistent hyperinsulinemic hypoglycemia due to defective splicing (Thomas et al. 1995. PubMed ID: 7716548; Nestorowicz et al. 1996. PubMed ID: 8923011). In Family 4 of the Thomas et al. study, this variant occurred in the homozygous state in two affected siblings and was heterozygous in both unaffected parents. In the Nestorowicz et al. study, out of the 23 probands who had this variant, 11 were homozygotes and 12 were heterozygotes. This variant is reported in 0.60% of alleles in individuals of Ashkenazi Jewish descent in gnomAD. In summary, this variant is interpreted as pathogenic.

Reproductive Health Research and Development, BGI Genomics
Classification: Pathogenic for Familial hyperinsulinism. Last evaluated: 2020-01-06. Review status: no assertion criteria provided. Collection method: curation. Allele origin: germline. Not counted in ClinVar's aggregate classification.
Comment: NG_008867.1(NM_001287174.1):c.3992-9G>A in the ABCC8 gene has an allele frequency of 0.006 in Ashkenazi Jewish subpopulation in the gnomAD database. This variant has been observed to segregate with familial hyperinsulinism and affect RNA splicing (PMID: 7716548). Experimental studies have shown that this intronic change alters ABCC8 splicing (PMID: 7716548). Taken together, we interprete this variant as Pathogenic/Likely pathogenic. ACMG/AMP Criteria applied: PS4; PS3; PM3; PP4.

Genomic Diagnostic Laboratory, Division of Genomic Diagnostics, Children's Hospital of Philadelphia
Classification: Pathogenic. Last evaluated: 2015-10-07. Review status: no assertion criteria provided. Collection method: clinical testing. Allele origin: germline. Observed: 15 variant alleles. Not counted in ClinVar's aggregate classification.
Comment: Clinical Testing

OMIM
Classification: Pathogenic for HYPERINSULINEMIC HYPOGLYCEMIA, FAMILIAL, 1. Last evaluated: 1999-01-01. Review status: no assertion criteria provided. Collection method: literature only. Allele origin: germline. Not counted in ClinVar's aggregate classification.

Literature cited by the submitters: PubMed 8923011 (cited by 7 submitters); PubMed 7716548 (cited by 9 submitters); PubMed 37216904 (cited by Dasa); PubMed 36239000 (cited by Dasa); PubMed 36294341 (cited by Dasa); PubMed 21716120 (cited by 5 submitters); PubMed 27754802 (cited by 4 submitters); PubMed 25306193 (cited by 3billion and Athena Diagnostics); PubMed 15579781 (cited by 3 submitters); PubMed 17893264 (cited by Natera, Inc.); PubMed 11272143 (cited by 3 submitters); PubMed 33410562 (cited by Broad Center for Mendelian Genomics, Broad Institute of MIT and Harvard); PubMed 25972930 (cited by Ambry Genetics and Athena Diagnostics); PubMed 10447255 (cited by 3 submitters); PubMed 23345197 (cited by Myriad Genetics, Inc.); PubMed 11999683 (cited by Myriad Genetics, Inc. and Athena Diagnostics); PubMed 24401662 (cited by Myriad Genetics, Inc.); PubMed 21851374 (cited by Myriad Genetics, Inc.); PubMed 16860127 (cited by Myriad Genetics, Inc.); PubMed 20672374 (cited by Athena Diagnostics); PubMed 27175728 (cited by Athena Diagnostics); PubMed 10487673 (cited by Athena Diagnostics); PubMed 10923633 (cited by Athena Diagnostics); PubMed 12941782 (cited by Athena Diagnostics); PubMed 14715863 (cited by Athena Diagnostics); PubMed 15356046 (cited by Athena Diagnostics); PubMed 15562009 (cited by Athena Diagnostics); PubMed 16357843 (cited by Athena Diagnostics); PubMed 16429405 (cited by Athena Diagnostics); PubMed 17378627 (cited by Athena Diagnostics); PubMed 18339976 (cited by Athena Diagnostics); PubMed 18493152 (cited by Athena Diagnostics); PubMed 9618169 (cited by Athena Diagnostics); PubMed 9648840 (cited by Athena Diagnostics); PubMed 14692646 (cited by Athena Diagnostics).